The following is an entry in ClinVar:

ClinVar aggregate classification (germline): Likely benign (1 of 4 stars; one submission).

Allele frequency attached by ClinVar (database versions not stated): 1000 Genomes Project 0.00080; 1000 Genomes Project 30x 0.00187.

Submission:

CeGaT Center for Human Genetics Tuebingen
Classification: Likely benign. Last evaluated: 2023-04-01. Review status: criteria provided, single submitter. Criteria: CeGaT Center For Human Genetics Tuebingen Variant Classification Criteria Version 2. Collection method: clinical testing. Allele origin: germline. Affected: yes. Observed: 3 variant alleles.
Comment: WDR97: PP2, BP4, BS2

NM_001316309.2(WDR97):c.571G>A (p.Val191Met)

Gene: WDR97 (WD repeat domain 97; plus strand). Cytogenetic location: 8q24.3.
Variant type: single nucleotide variant.
Coding change: c.571G>A on transcript NM_001316309.2 (MANE Select); coding-DNA position 571, G replaced by A.
Protein change: p.Val191Met; replaces valine 191 with methionine.
Molecular consequence: missense variant.
Genome position (GRCh38, 1-based): chr8:144,108,637, G>A. VCF-style: chr8-144108637-G-A. GRCh37 (hg19) VCF-style: chr8-145163540-G-A.
Other names: short protein forms V191M.
Identifiers: ClinVar variation 2658972 (VCV002658972.24), dbSNP rs535489249, ClinGen allele CA4934410.